The following is an entry in ClinVar:

NM_001130144.3(LTBP3):c.3563C>T (p.Thr1188Ile)

Gene: LTBP3 (latent transforming growth factor beta binding protein 3; minus strand). Cytogenetic location: 11q13.1.
Variant type: single nucleotide variant.
Coding change: c.3563C>T on transcript NM_001130144.3 (MANE Select); coding-DNA position 3563, C replaced by T.
Protein change: p.Thr1188Ile; replaces threonine 1188 with isoleucine.
Molecular consequence: missense variant.
Genome position (GRCh38, 1-based): chr11:65,539,613, G>A on the plus strand (C>T on the coding strand, the complement: LTBP3 is on the minus strand). VCF-style: chr11-65539613-G-A. GRCh37 (hg19) VCF-style: chr11-65307084-G-A.
Other names: c.3071C>T, p.Thr1024Ile (NM_001164266.1); c.3422C>T, p.Thr1141Ile (NM_021070.4); short protein forms T1024I, T1141I, T1188I.
Identifiers: ClinVar variation 3233177 (VCV003233177.1), dbSNP rs1434313133, ClinGen allele CA381266601.

ClinVar aggregate classification (germline): Uncertain significance (1 of 4 stars; one submission).

Conditions:
Inborn genetic diseases. Identifiers: MedGen C0950123, MeSH D030342.

Allele frequency attached by ClinVar (database versions not stated): gnomAD 0.00001.
gnomAD v4.1: 1 of 1,611,380 alleles (0.000062%); highest among the groups gnomAD compares: African/African-American, 0.0013%; no homozygotes.

Submission:

Ambry Genetics
Classification: Uncertain significance for Inborn genetic diseases. Last evaluated: 2023-11-11. Review status: criteria provided, single submitter. Criteria: Ambry Variant Classification Scheme 2023. Collection method: clinical testing. Allele origin: germline.
Comment: The p.T1188I variant (also known as c.3563C>T), located in coding exon 26 of the LTBP3 gene, results from a C to T substitution at nucleotide position 3563. The threonine at codon 1188 is replaced by isoleucine, an amino acid with similar properties. This amino acid position is conserved. In addition, this alteration is predicted to be tolerated by in silico analysis. Since supporting evidence is limited at this time, the clinical significance of this alteration remains unclear.